The following is an entry in ClinVar:

NM_004539.4(NARS1):c.1226A>G (p.Asp409Gly)

Gene: NARS1 (asparaginyl-tRNA synthetase 1; minus strand). Cytogenetic location: 18q21.31.
Variant type: single nucleotide variant.
Coding change: c.1226A>G on transcript NM_004539.4 (MANE Select); coding-DNA position 1226, A replaced by G.
Protein change: p.Asp409Gly; replaces aspartic acid 409 with glycine.
Molecular consequence: missense variant.
Genome position (GRCh38, 1-based): chr18:57,605,882, T>C on the plus strand (A>G on the coding strand, the complement: NARS1 is on the minus strand). VCF-style: chr18-57605882-T-C. GRCh37 (hg19) VCF-style: chr18-55273114-T-C.
Other names: short protein forms D409G.
Identifiers: ClinVar variation 4822707 (VCV004822707.4).

ClinVar aggregate classification (germline): Uncertain significance (1 of 4 stars; one submission).

gnomAD v4.1: 1 of 1,609,432 alleles (0.000062%); highest among the groups gnomAD compares: Admixed American, 0.0017%; no homozygotes.

Submission:

CeGaT Center for Human Genetics Tuebingen
Classification: Uncertain significance. Last evaluated: 2026-03-01. Review status: criteria provided, single submitter. Criteria: CeGaT Center For Human Genetics Tuebingen Variant Classification Criteria Version 2. Collection method: clinical testing. Allele origin: germline. Affected: yes. Observed: 1 variant allele.
Comment: NARS1: PM2